The following is an entry in ClinVar:

ClinVar aggregate classification (germline): Uncertain significance (1 of 4 stars; one submission).

Submission:

Women's Health and Genetics/Laboratory Corporation of America, LabCorp
Classification: Uncertain significance. Last evaluated: 2024-08-27. Review status: criteria provided, single submitter. Criteria: LabCorp Variant Classification Summary - May 2015. Collection method: clinical testing. Allele origin: germline.
Comment: Variant summary: The variant involves the deletion of exons 8-10 in the CEP290 gene. A presumed nomenclature of c.(495+1_496-1)_(852+1_853-1)del has been designated for the purposes of this classification. This Copy Number Variant (CNV) is predicted to result in an in-frame deletion within this gene. The variant was absent in 21694 control chromosomes. The available data on variant occurrences in the general population are insufficient to allow any conclusion about variant significance. To our knowledge, no occurrence of c.(495+1_496-1)_(852+1_853-1)del in individuals affected with CEP290-related conditions and no experimental evidence demonstrating its impact on protein function have been reported. No submitters have cited clinical-significance assessments for this variant to ClinVar. Based on the evidence outlined above, the variant was classified as uncertain significance.

NC_000012.11:g.(88522813_88523470)_(88524343_88524941)del

Gene: CEP290 (centrosomal protein 290; minus strand). Cytogenetic location: 12q21.32.
Variant type: Deletion.
Identifiers: ClinVar variation 3366571 (VCV003366571.1).